The following is an entry in ClinVar:

NM_000020.3(ACVRL1):c.1321G>A (p.Val441Met)

Gene: ACVRL1 (activin A receptor like type 1; plus strand). Cytogenetic location: 12q13.13.
Variant type: single nucleotide variant.
Coding change: c.1321G>A on transcript NM_000020.3 (MANE Select); coding-DNA position 1321, G replaced by A.
Protein change: p.Val441Met; replaces valine 441 with methionine.
Molecular consequence: missense variant.
Genome position (GRCh38, 1-based): chr12:51,919,059, G>A. VCF-style: chr12-51919059-G-A. GRCh37 (hg19) VCF-style: chr12-52312843-G-A.
Other names: c.1321G>A, p.Val441Met (NM_001077401.2); short protein forms V441M.
Identifiers: ClinVar variation 617960 (VCV000617960.13), dbSNP rs1565596498, ClinGen allele CA384904115.

ClinVar aggregate classification (germline): Pathogenic/Likely pathogenic. Review status: criteria provided, multiple submitters, no conflicts (2 of 4 stars). 2 submissions from 2 submitters: Pathogenic (1); Likely pathogenic (1). Last evaluated 2023-11-02.

Conditions:
Telangiectasia, hereditary hemorrhagic, type 2 (HHT2). Also called: ACVRL1-Related Hereditary Hemorrhagic Telangiectasia; Telangiectasia, hereditary hemorrhagic, type II. Identifiers: Orphanet 774, MedGen C1838163, MONDO:0010880, OMIM 600376. Disease mechanism: loss of function.

Submissions (2):

Labcorp Genetics (formerly Invitae), Labcorp
Classification: Pathogenic for Telangiectasia, hereditary hemorrhagic, type 2. Last evaluated: 2023-11-02. Review status: criteria provided, single submitter. Criteria: Invitae Variant Classification Sherloc (09022015). Collection method: clinical testing. Allele origin: germline.
Comment: This sequence change replaces valine, which is neutral and non-polar, with methionine, which is neutral and non-polar, at codon 441 of the ACVRL1 protein (p.Val441Met). This variant is not present in population databases (gnomAD no frequency). This missense change has been observed in individuals with hereditary hemorrhagic telangiectasia (PMID: 15712271, 16429404, 25778885, 26176610). It has also been observed to segregate with disease in related individuals. ClinVar contains an entry for this variant (Variation ID: 617960). Advanced modeling of protein sequence and biophysical properties (such as structural, functional, and spatial information, amino acid conservation, physicochemical variation, residue mobility, and thermodynamic stability) performed at Invitae indicates that this missense variant is expected to disrupt ACVRL1 protein function with a positive predictive value of 95%. Experimental studies have shown that this missense change affects ACVRL1 function (PMID: 26176610). For these reasons, this variant has been classified as Pathogenic.

ARUP Laboratories, Molecular Genetics and Genomics, ARUP Laboratories
Classification: Likely pathogenic. Last evaluated: 2018-04-22. Review status: criteria provided, single submitter. Criteria: ARUP Molecular Germline Variant Investigation Process. Collection method: clinical testing. Allele origin: germline.
Comment: The ACVRL1 c.1321G>A; p.Val441Met variant is reported in the literature in families with HHT (Abdalla 2005, Lenato 2006, Yuan 2015). This variant is absent from general population databases (1000 Genomes Project, Exome Variant Server, and Genome Aggregation Database), indicating it is not a common polymorphism. The valine at codon 441 is highly conserved, and computational analyses (SIFT, PolyPhen-2) predict that this variant is deleterious. Based on available information, this variant is considered likely pathogenic. REFERENCES Abdalla SA et al. Novel mutations and polymorphisms in genes causing hereditary hemorrhagic telangiectasia. Hum Mutat. 2005 Mar;25(3):320-1. Lenato GM et al. DHPLC-based mutation analysis of ENG and ALK-1 genes in HHT Italian population. Hum Mutat. 2006 Feb;27(2):213-4. Yuan D et al. Gene analysis in a family of hereditary hemorrhagic telangiectasia. Zhonghua Xue Ye Xue Za Zhi. 2015 Feb;36(2):112-5.

Literature cited by the submitters: PubMed 15712271 (cited by Labcorp Genetics (formerly Invitae), Labcorp); PubMed 16429404 (cited by Labcorp Genetics (formerly Invitae), Labcorp); PubMed 25778885 (cited by Labcorp Genetics (formerly Invitae), Labcorp); PubMed 26176610 (cited by Labcorp Genetics (formerly Invitae), Labcorp).